The following is an entry in ClinVar:

NM_001267550.2(TTN):c.26201-13C>T

Gene: TTN (titin; minus strand). Cytogenetic location: 2q31.2.
Variant type: single nucleotide variant.
Coding change: c.26201-13C>T on transcript NM_001267550.2 (MANE Select); 13 bases into the intron before coding-DNA position 26201, C replaced by T.
Molecular consequence: intron variant.
Genome position (GRCh38, 1-based): chr2:178,714,586, G>A on the plus strand (C>T on the coding strand, the complement: TTN is on the minus strand). VCF-style: chr2-178714586-G-A. GRCh37 (hg19) VCF-style: chr2-179579313-G-A.
Other names: c.13282+23496C>T (NM_003319.4); c.13858+23496C>T (NM_133437.4); c.13657+23496C>T (NM_133432.3); c.22469-13C>T (NM_133378.4); c.25250-13C>T (NM_001256850.1).
Identifiers: ClinVar variation 179802 (VCV000179802.13), dbSNP rs727505138, ClinGen allele CA185169.

ClinVar aggregate classification (germline): Likely benign. Review status: criteria provided, multiple submitters, no conflicts (2 of 4 stars). 2 submissions from 2 submitters: Likely benign (2). Last evaluated 2025-10-28.

Conditions:
Dilated cardiomyopathy 1G (CMD1G). Identifiers: Orphanet 154, MedGen C1858763, MONDO:0011400, OMIM 604145.
Autosomal recessive limb-girdle muscular dystrophy type 2J (LGMDR10). Also called: Limb-girdle muscular dystrophy, type 2J; MUSCULAR DYSTROPHY, LIMB-GIRDLE, AUTOSOMAL RECESSIVE 10. Identifiers: Orphanet 140922, MedGen C1837342, MONDO:0012127, OMIM 608807.

Allele frequency attached by ClinVar (database versions not stated): gnomAD below 0.00001 and 0.00001; gnomAD exomes 0.00001; ExAC 0.00003; TOPMed 0.00003.
gnomAD v4.1: 10 of 1,574,832 alleles (0.00063%); highest among the groups gnomAD compares: South Asian, 0.0082%; no homozygotes.

Submissions (2):

Labcorp Genetics (formerly Invitae), Labcorp
Classification: Likely benign for Dilated cardiomyopathy 1G; Autosomal recessive limb-girdle muscular dystrophy type 2J. Last evaluated: 2025-10-28. Review status: criteria provided, single submitter. Criteria: Invitae Variant Classification Sherloc (09022015). Collection method: clinical testing. Allele origin: germline.

Laboratory for Molecular Medicine, Mass General Brigham Personalized Medicine
Classification: Likely benign. Last evaluated: 2014-06-30. Review status: criteria provided, single submitter. Criteria: LMM Criteria. Collection method: clinical testing. Allele origin: germline. Observed: 1 variant allele.
Comment: 22469-13C>T in intron 87 of TTN: This variant is not expected to have clinical s ignificance because a C>T change at this position does not diverge from the spli ce consensus sequence and is therefore unlikely to impact splicing.